The following is an entry in ClinVar:

NM_007194.4(CHEK2):c.808G>C (p.Val270Leu)

Gene: CHEK2 (checkpoint kinase 2; minus strand). Cytogenetic location: 22q12.1.
Variant type: single nucleotide variant.
Coding change: c.808G>C on transcript NM_007194.4 (MANE Select); coding-DNA position 808, G replaced by C.
Protein change: p.Val270Leu; replaces valine 270 with leucine.
Molecular consequence: missense variant.
Genome position (GRCh38, 1-based): chr22:28,710,044, C>G on the plus strand (G>C on the coding strand, the complement: CHEK2 is on the minus strand). VCF-style: chr22-28710044-C-G. GRCh37 (hg19) VCF-style: chr22-29106032-C-G.
Other names: c.937G>C, p.Val313Leu (NM_001005735.3); c.145G>C, p.Val49Leu (NM_001257387.3); c.607G>C, p.Val203Leu (NM_001349956.3); c.808G>C, p.Val270Leu (NM_145862.3); short protein forms V203L, V270L, V313L, V49L.
Identifiers: ClinVar variation 1405948 (VCV001405948.9), dbSNP rs2053335680, ClinGen allele CA411102462.
Genomic context (GRCh38, chr22:28,710,044, plus strand): 5'-TGAGTCATATAATAATACTTACATGATTTAGCTTTTTCAAAATTTCTATTTCTGTTTCAA[C>G]ATTGAGAGCTGGGTCCTTTGATAAACAGAATAACAGAGTTTATTAGTAATAATAATTGCC-3'
Protein context (NP_009125.1, residues 260-280): SAREADPALN[Val270Leu]ETEIEILKKL

ClinVar aggregate classification (germline): Uncertain significance. Review status: criteria provided, multiple submitters, no conflicts (2 of 4 stars). 2 submissions from 2 submitters: Uncertain significance (2). Last evaluated 2023-12-06.

Conditions:
Familial cancer of breast. Also called: hereditary breast carcinoma; BREAST CANCER, FAMILIAL; Hereditary breast cancer. Identifiers: Orphanet 227535, MedGen C0346153, MONDO:0016419, OMIM 114480. Disease mechanism: loss of function.
Hereditary cancer-predisposing syndrome. Also called: Hereditary neoplastic syndrome; Hereditary Cancer Syndrome; Neoplastic Syndromes, Hereditary; Tumor predisposition. Identifiers: Orphanet 140162, MedGen C0027672, MeSH D009386, MONDO:0015356.

Submissions (2):

Labcorp Genetics (formerly Invitae), Labcorp
Classification: Uncertain significance for Familial cancer of breast. Last evaluated: 2023-12-06. Review status: criteria provided, single submitter. Criteria: Invitae Variant Classification Sherloc (09022015). Collection method: clinical testing. Allele origin: germline.
Comment: This sequence change replaces valine, which is neutral and non-polar, with leucine, which is neutral and non-polar, at codon 270 of the CHEK2 protein (p.Val270Leu). This variant is not present in population databases (gnomAD no frequency). This variant has not been reported in the literature in individuals affected with CHEK2-related conditions. ClinVar contains an entry for this variant (Variation ID: 1405948). An algorithm developed to predict the effect of missense changes on protein structure and function (PolyPhen-2) suggests that this variant is likely to be tolerated. In summary, the available evidence is currently insufficient to determine the role of this variant in disease. Therefore, it has been classified as a Variant of Uncertain Significance.

Ambry Genetics
Classification: Uncertain significance for Hereditary cancer-predisposing syndrome. Last evaluated: 2021-01-15. Review status: criteria provided, single submitter. Criteria: Ambry Variant Classification Scheme 2023. Collection method: clinical testing. Allele origin: germline.
Comment: The p.V270L variant (also known as c.808G>C), located in coding exon 6 of the CHEK2 gene, results from a G to C substitution at nucleotide position 808. The valine at codon 270 is replaced by leucine, an amino acid with highly similar properties. This amino acid position is highly conserved in available vertebrate species. In addition, the in silico prediction for this alteration is inconclusive. Since supporting evidence is limited at this time, the clinical significance of this alteration remains unclear.